The following is an entry in ClinVar:

NM_004360.5(CDH1):c.532-1del

Gene: CDH1 (cadherin 1; plus strand). Cytogenetic location: 16q22.1.
Variant type: Deletion.
Coding change: c.532-1del on transcript NM_004360.5 (MANE Select); the canonical splice acceptor site of the intron before coding-DNA position 532, one base deleted (G; older notation c.532-1delG).
Molecular consequence: splice acceptor variant.
Genome position (GRCh38, 1-based): chr16:68,808,692, G deleted. VCF-style (leftmost placement, unchanged base first): chr16-68808691-AG-A. GRCh37 (hg19) VCF-style: chr16-68842594-AG-A.
Other names: c.-1084-1del (NM_001317185.2); c.-1288-1del (NM_001317186.2); c.532-1del (NM_001317184.2).
Identifiers: ClinVar variation 2102807 (VCV002102807.4), dbSNP rs2543915573, ClinGen allele CA2580091929.

ClinVar aggregate classification (germline): Likely pathogenic (1 of 4 stars; one submission).

Conditions:
Hereditary diffuse gastric adenocarcinoma (HDGC). Also called: DIFFUSE GASTRIC AND LOBULAR BREAST CANCER SYNDROME. Identifiers: Orphanet 26106, MedGen C1708349, MONDO:0007648, OMIM 137215.

Submission:

Labcorp Genetics (formerly Invitae), Labcorp
Classification: Likely pathogenic for Hereditary diffuse gastric adenocarcinoma. Last evaluated: 2023-10-17. Review status: criteria provided, single submitter. Criteria: Invitae Variant Classification Sherloc (09022015). Collection method: clinical testing. Allele origin: germline.
Comment: This sequence change affects a splice site in intron 4 of the CDH1 gene. It is expected to disrupt RNA splicing. Variants that disrupt the donor or acceptor splice site typically lead to a loss of protein function (PMID: 16199547), and loss-of-function variants in CDH1 are known to be pathogenic (PMID: 15235021, 20373070). This variant is not present in population databases (gnomAD no frequency). Disruption of this splice site has been observed in individual(s) with breast cancer and/or esophagogastric cancer (PMID: 26556299, 32427313). ClinVar contains an entry for this variant (Variation ID: 2102807). Algorithms developed to predict the effect of sequence changes on RNA splicing suggest that this variant may disrupt the consensus splice site. In summary, the currently available evidence indicates that the variant is pathogenic, but additional data are needed to prove that conclusively. Therefore, this variant has been classified as Likely Pathogenic.

Literature cited by the submitters: PubMed 16199547; PubMed 15235021; PubMed 20373070; PubMed 26556299; PubMed 32427313.